The following is an entry in ClinVar:

NM_005732.4(RAD50):c.1325T>A (p.Ile442Lys)

Gene: RAD50 (RAD50 double strand break repair protein; plus strand). Cytogenetic location: 5q31.1.
Variant type: single nucleotide variant.
Coding change: c.1325T>A on transcript NM_005732.4 (MANE Select); coding-DNA position 1325, T replaced by A.
Protein change: p.Ile442Lys; replaces isoleucine 442 with lysine.
Molecular consequence: missense variant.
Genome position (GRCh38, 1-based): chr5:132,589,710, T>A. VCF-style: chr5-132589710-T-A. GRCh37 (hg19) VCF-style: chr5-131925402-T-A.
Other names: short protein forms I442K.
Identifiers: ClinVar variation 1769998 (VCV001769998.2), dbSNP rs2479637070, ClinGen allele CA360943859.
Genomic context (GRCh38, chr5:132,589,710, plus strand): 5'-AGACTCTGAAACAAAAACAGATAGATGAGATAAGAGATAAGAAAACTGGACTGGGAAGAA[T>A]AATTGAGTTAAAATCAGAAATCCTAAGTAAGAAGCAGAATGAGCTGAAAAATGTGAAGTA-3'
Protein context (NP_005723.2, residues 432-452): IRDKKTGLGR[Ile442Lys]IELKSEILSK

ClinVar aggregate classification (germline): Uncertain significance (1 of 4 stars; one submission).

Conditions:
Hereditary cancer-predisposing syndrome. Also called: Hereditary Cancer Syndrome; Hereditary neoplastic syndrome; Neoplastic Syndromes, Hereditary; Tumor predisposition. Identifiers: Orphanet 140162, MedGen C0027672, MeSH D009386, MONDO:0015356.

Submission:

Ambry Genetics
Classification: Uncertain significance for Hereditary cancer-predisposing syndrome. Last evaluated: 2021-09-01. Review status: criteria provided, single submitter. Criteria: Ambry Variant Classification Scheme 2023. Collection method: clinical testing. Allele origin: germline.
Comment: The p.I442K variant (also known as c.1325T>A), located in coding exon 9 of the RAD50 gene, results from a T to A substitution at nucleotide position 1325. The isoleucine at codon 442 is replaced by lysine, an amino acid with dissimilar properties. This amino acid position is conserved. In addition, this alteration is predicted to be tolerated by in silico analysis. Since supporting evidence is limited at this time, the clinical significance of this alteration remains unclear.